The following is an entry in ClinVar:

NM_001130823.3(DNMT1):c.3223C>T (p.Arg1075Cys)

Gene: DNMT1 (DNA methyltransferase 1; minus strand). Cytogenetic location: 19p13.2.
Variant type: single nucleotide variant.
Coding change: c.3223C>T on transcript NM_001130823.3 (MANE Select); coding-DNA position 3223, C replaced by T.
Protein change: p.Arg1075Cys; replaces arginine 1075 with cysteine.
Molecular consequence: missense variant.
Genome position (GRCh38, 1-based): chr19:10,142,114, G>A on the plus strand (C>T on the coding strand, the complement: DNMT1 is on the minus strand). VCF-style: chr19-10142114-G-A. GRCh37 (hg19) VCF-style: chr19-10252790-G-A.
Other names: c.3175C>T, p.Arg1059Cys (NM_001318730.2, NM_001379.4); c.2860C>T, p.Arg954Cys (NM_001318731.2); c.3223C>T (NM_001130823.2, LRG_362t1); short protein forms R1059C, R1075C, R954C.
Identifiers: ClinVar variation 649003 (VCV000649003.34), dbSNP rs140852137, ClinGen allele CA9187812.

ClinVar aggregate classification (germline): Conflicting classifications of pathogenicity. Review status: criteria provided, conflicting classifications (1 of 4 stars). 3 submissions from 3 submitters: Uncertain significance (2); Likely benign (1). Last evaluated 2026-09-24.

Conditions:
Hereditary sensory neuropathy-deafness-dementia syndrome. Also called: NEUROPATHY, HEREDITARY SENSORY, WITH HEARING LOSS AND DEMENTIA; HSN IE; Hereditary sensory neuropathy type IE; Hereditary Sensory and Autonomic Neuropathy Type 1E (HSAN1E). Identifiers: Orphanet 456318, MedGen C3279885, MONDO:0013584, OMIM 614116.
DNMT1-related disorder. Also called: DNMT1-related condition. Identifiers: MedGen CN381527.

Allele frequency attached by ClinVar (database versions not stated): ExAC 0.00002; gnomAD exomes 0.00002 and 0.00003; TOPMed 0.00004; gnomAD 0.00005 and 0.00006; ESP Exome Variant Server 0.00008.
gnomAD v4.1: 32 of 1,613,622 alleles (0.002%); highest among the groups gnomAD compares: Middle Eastern, 0.016%; no homozygotes.

Submissions (3):

PreventionGenetics, part of Exact Sciences
Classification: Uncertain significance for DNMT1-related condition. Last evaluated: 2026-09-24. Review status: criteria provided, single submitter. Criteria: ACMG Guidelines, 2015. Collection method: clinical testing. Allele origin: germline.
Comment: The DNMT1 c.3223C>T variant is predicted to result in the amino acid substitution p.Arg1075Cys. To our knowledge, this variant has not been reported in the literature. This variant is reported in 0.012% of alleles in individuals of African descent in gnomAD. Although we suspect that this variant may be benign, at this time, the clinical significance of this variant is uncertain due to the absence of conclusive functional and genetic evidence.

Labcorp Genetics (formerly Invitae), Labcorp
Classification: Likely benign for Hereditary sensory neuropathy-deafness-dementia syndrome. Last evaluated: 2025-04-02. Review status: criteria provided, single submitter. Criteria: Invitae Variant Classification Sherloc (09022015). Collection method: clinical testing. Allele origin: germline.

CeGaT Center for Human Genetics Tuebingen
Classification: Uncertain significance. Last evaluated: 2023-08-01. Review status: criteria provided, single submitter. Criteria: CeGaT Center For Human Genetics Tuebingen Variant Classification Criteria Version 2. Collection method: clinical testing. Allele origin: germline. Affected: yes. Observed: 1 variant allele.